The following is an entry in ClinVar:

ClinVar aggregate classification (germline): Uncertain significance (1 of 4 stars; one submission).

Conditions:
Spastic paraplegia. Identifiers: MedGen C0037772, HP:0001258.

Submission:

Labcorp Genetics (formerly Invitae), Labcorp
Classification: Uncertain significance for Spastic paraplegia. Last evaluated: 2025-09-27. Review status: criteria provided, single submitter. Criteria: Invitae Variant Classification Sherloc (09022015). Collection method: clinical testing. Allele origin: germline.
Comment: This sequence change replaces glutamic acid, which is acidic and polar, with lysine, which is basic and polar, at codon 1087 of the L1CAM protein (p.Glu1087Lys). This variant is not present in population databases (gnomAD no frequency). This variant has not been reported in the literature in individuals affected with L1CAM-related conditions. Invitae Evidence Modeling of protein sequence and biophysical properties (such as structural, functional, and spatial information, amino acid conservation, physicochemical variation, residue mobility, and thermodynamic stability) indicates that this missense variant is not expected to disrupt L1CAM protein function with a negative predictive value of 95%. In summary, the available evidence is currently insufficient to determine the role of this variant in disease. Therefore, it has been classified as a Variant of Uncertain Significance.

NM_001278116.2(L1CAM):c.3259G>A (p.Glu1087Lys)

Gene: L1CAM (L1 cell adhesion molecule; minus strand). Cytogenetic location: Xq28.
Variant type: single nucleotide variant.
Coding change: c.3259G>A on transcript NM_001278116.2 (MANE Select); coding-DNA position 3259, G replaced by A.
Protein change: p.Glu1087Lys; replaces glutamic acid 1087 with lysine.
Molecular consequence: missense variant.
Genome position (GRCh38, 1-based): chrX:153,864,385, C>T on the plus strand (G>A on the coding strand, the complement: L1CAM is on the minus strand). VCF-style: chrX-153864385-C-T. GRCh37 (hg19) VCF-style: chrX-153129840-C-T.
Other names: c.3259G>A, p.Glu1087Lys (NM_000425.5, NM_024003.3); c.3244G>A, p.Glu1082Lys (NM_001143963.2); short protein forms E1082K, E1087K.
Identifiers: ClinVar variation 4692741 (VCV004692741.1).